The following is an entry in ClinVar:

ClinVar aggregate classification (germline): Uncertain significance (1 of 4 stars; one submission).

Allele frequency attached by ClinVar (database versions not stated): gnomAD 0.00001; ExAC 0.00004; gnomAD exomes 0.00004.
gnomAD v4.1: 60 of 1,611,346 alleles (0.0037%); highest among the groups gnomAD compares: East Asian, 0.13%; no homozygotes.

Submission:

Labcorp Genetics (formerly Invitae), Labcorp
Classification: Uncertain significance. Last evaluated: 2022-07-15. Review status: criteria provided, single submitter. Criteria: Invitae Variant Classification Sherloc (09022015). Collection method: clinical testing. Allele origin: germline.
Comment: This sequence change replaces aspartic acid, which is acidic and polar, with glycine, which is neutral and non-polar, at codon 872 of the LRRK1 protein (p.Asp872Gly). This variant is present in population databases (rs773874591, gnomAD 0.03%). This variant has not been reported in the literature in individuals affected with LRRK1-related conditions. Algorithms developed to predict the effect of missense changes on protein structure and function are either unavailable or do not agree on the potential impact of this missense change (SIFT: "Tolerated"; PolyPhen-2: "Possibly Damaging"; Align-GVGD: "Class C0"). In summary, the available evidence is currently insufficient to determine the role of this variant in disease. Therefore, it has been classified as a Variant of Uncertain Significance.

NM_024652.6(LRRK1):c.2615A>G (p.Asp872Gly)

Genes: LRRK1 (leucine rich repeat kinase 1; plus strand), LOC126862255 (CDK7 strongly-dependent group 2 enhancer GRCh37_chr15:101567313-101568512; plus strand). Cytogenetic location: 15q26.3.
Variant type: single nucleotide variant.
Coding change: c.2615A>G on transcript NM_024652.6 (MANE Select); coding-DNA position 2615, A replaced by G.
Protein change: p.Asp872Gly; replaces aspartic acid 872 with glycine.
Molecular consequence: missense variant.
Genome position (GRCh38, 1-based): chr15:101,027,726, A>G. VCF-style: chr15-101027726-A-G. GRCh37 (hg19) VCF-style: chr15-101567931-A-G.
Other names: short protein forms D872G.
Identifiers: ClinVar variation 1923575 (VCV001923575.2), dbSNP rs773874591, ClinGen allele CA7761304.